The following is an entry in ClinVar:

ClinVar aggregate classification (germline): Uncertain significance. Review status: criteria provided, multiple submitters, no conflicts (2 of 4 stars). 2 submissions from 2 submitters: Uncertain significance (2). Last evaluated 2025-03-10.

Allele frequency attached by ClinVar (database versions not stated): gnomAD exomes 0.00004 and 0.00012; gnomAD 0.00005 and 0.00006; TOPMed 0.00007; ExAC 0.00008.
gnomAD v4.1: 172 of 1,581,926 alleles (0.011%); highest among the groups gnomAD compares: Non-Finnish European, 0.014%; no homozygotes.

Submissions (2):

Labcorp Genetics (formerly Invitae), Labcorp
Classification: Uncertain significance. Last evaluated: 2025-03-10. Review status: criteria provided, single submitter. Criteria: Invitae Variant Classification Sherloc (09022015). Collection method: clinical testing. Allele origin: germline.
Comment: This sequence change replaces alanine, which is neutral and non-polar, with threonine, which is neutral and polar, at codon 1285 of the TOP2B protein (p.Ala1285Thr). This variant is present in population databases (rs763909276, gnomAD 0.009%). This variant has not been reported in the literature in individuals affected with TOP2B-related conditions. ClinVar contains an entry for this variant (Variation ID: 1387966). An algorithm developed to predict the effect of missense changes on protein structure and function outputs the following: PolyPhen-2: "Benign". The threonine amino acid residue is found in multiple mammalian species, which suggests that this missense change does not adversely affect protein function. In summary, the available evidence is currently insufficient to determine the role of this variant in disease. Therefore, it has been classified as a Variant of Uncertain Significance.

Ambry Genetics
Classification: Uncertain significance. Last evaluated: 2021-08-10. Review status: criteria provided, single submitter. Criteria: Ambry Variant Classification Scheme 2023. Collection method: clinical testing. Allele origin: germline.

NM_001330700.2(TOP2B):c.3868G>A (p.Ala1290Thr)

Gene: TOP2B (DNA topoisomerase II beta; minus strand). Cytogenetic location: 3p24.2.
Variant type: single nucleotide variant.
Coding change: c.3868G>A on transcript NM_001330700.2 (MANE Select); coding-DNA position 3868, G replaced by A.
Protein change: p.Ala1290Thr; replaces alanine 1290 with threonine.
Molecular consequence: missense variant.
Genome position (GRCh38, 1-based): chr3:25,609,631, C>T on the plus strand (G>A on the coding strand, the complement: TOP2B is on the minus strand). VCF-style: chr3-25609631-C-T. GRCh37 (hg19) VCF-style: chr3-25651122-C-T.
Other names: c.3853G>A, p.Ala1285Thr (NM_001068.3); c.3853G>A (NM_001068.2); short protein forms A1285T, A1290T.
Identifiers: ClinVar variation 1387966 (VCV001387966.7), dbSNP rs763909276, ClinGen allele CA2288214.